The following is an entry in ClinVar:

NM_004991.4(MECOM):c.3033G>A (p.Ser1011=)

Gene: MECOM (MDS1 and EVI1 complex locus; minus strand). Cytogenetic location: 3q26.2.
Variant type: single nucleotide variant.
Coding change: c.3033G>A on transcript NM_004991.4 (MANE Select); coding-DNA position 3033, G replaced by A.
Protein change: p.Ser1011=; no amino-acid change (serine 1011 retained).
Molecular consequence: synonymous variant.
Genome position (GRCh38, 1-based): chr3:169,093,089, C>T on the plus strand (G>A on the coding strand, the complement: MECOM is on the minus strand). VCF-style: chr3-169093089-C-T. GRCh37 (hg19) VCF-style: chr3-168810877-C-T.
Other names: c.3033G>A (NM_004991.3); c.2664G>A, p.Ser888= (NM_001105077.4); c.2469G>A, p.Ser823= (NM_001105078.4, NM_001205194.2, NM_001366469.2 and 1 more transcripts); c.2445G>A, p.Ser815= (NM_001163999.2, NM_001366470.2); c.2442G>A, p.Ser814= (NM_001164000.2, NM_001366471.2, NM_001366472.2); c.3006G>A, p.Ser1002= (NM_001366466.2); c.2472G>A, p.Ser824= (NM_001366467.2, NM_001366468.2); c.2034G>A, p.Ser678= (NM_001366473.2); and 2 more.
Identifiers: ClinVar variation 2084921 (VCV002084921.7), dbSNP rs762396273, ClinGen allele CA2695994.

ClinVar aggregate classification (germline): Likely benign. Review status: criteria provided, multiple submitters, no conflicts (2 of 4 stars). 3 submissions from 3 submitters: Likely benign (2). 1 of the submissions does not count toward it. Last evaluated 2026-02-01.

Conditions:
MECOM-related disorder. Also called: MECOM-related condition.
Inborn genetic diseases. Identifiers: MedGen C0950123, MeSH D030342.

Allele frequency attached by ClinVar (database versions not stated): gnomAD exomes 0.00002; gnomAD 0.00003; ExAC 0.00004; TOPMed 0.00005.
gnomAD v4.1: 34 of 1,610,654 alleles (0.0021%); highest among the groups gnomAD compares: Admixed American, 0.024%; no homozygotes.

Submissions (3):

Labcorp Genetics (formerly Invitae), Labcorp
Classification: Likely benign. Last evaluated: 2026-02-01. Review status: criteria provided, single submitter. Criteria: Invitae Variant Classification Sherloc (09022015). Collection method: clinical testing. Allele origin: germline.

Ambry Genetics
Classification: Likely benign for Inborn genetic diseases. Last evaluated: 2024-11-27. Review status: criteria provided, single submitter. Criteria: Ambry Variant Classification Scheme 2023. Collection method: clinical testing. Allele origin: germline.

PreventionGenetics, part of Exact Sciences
Classification: Likely benign for MECOM-related condition. Last evaluated: 2020-02-05. Review status: no assertion criteria provided. Collection method: clinical testing. Allele origin: germline. Not counted in ClinVar's aggregate classification.
Comment: This variant is classified as likely benign based on ACMG/AMP sequence variant interpretation guidelines (Richards et al. 2015 PMID: 25741868, with internal and published modifications).